The following is an entry in ClinVar:

ClinVar aggregate classification (germline): Likely benign. Review status: criteria provided, multiple submitters, no conflicts (2 of 4 stars). 2 submissions from 2 submitters: Likely benign (2). Last evaluated 2025-07-20.

Conditions:
MYH7B-related disorder. Also called: MYH7B-related condition.

Allele frequency attached by ClinVar (database versions not stated): ESP Exome Variant Server 0.00008; gnomAD 0.00021; gnomAD exomes 0.00022; TOPMed 0.00028; ExAC 0.00030; 1000 Genomes Project 30x 0.00047; 1000 Genomes Project 0.00060.
gnomAD v4.1: 354 of 1,613,488 alleles (0.022%); highest among the groups gnomAD compares: East Asian, 0.61%; no homozygotes.

Submissions (2):

PreventionGenetics, part of Exact Sciences
Classification: Likely benign for MYH7B-related condition. Last evaluated: 2025-07-20. Review status: criteria provided, single submitter. Criteria: ACMG Guidelines, 2015. Collection method: clinical testing. Allele origin: germline.
Comment: This variant is classified as likely benign based on ACMG/AMP sequence variant interpretation guidelines (Richards et al. 2015 PMID: 25741868, with internal and published modifications).

Labcorp Genetics (formerly Invitae), Labcorp
Classification: Likely benign. Last evaluated: 2025-03-10. Review status: criteria provided, single submitter. Criteria: Invitae Variant Classification Sherloc (09022015). Collection method: clinical testing. Allele origin: germline.

NM_020884.7(MYH7B):c.3170G>A (p.Arg1057Gln)

Gene: MYH7B (myosin heavy chain 7B; plus strand). Cytogenetic location: 20q11.22.
Variant type: single nucleotide variant.
Coding change: c.3170G>A on transcript NM_020884.7 (MANE Select); coding-DNA position 3170, G replaced by A.
Protein change: p.Arg1057Gln; replaces arginine 1057 with glutamine.
Molecular consequence: missense variant.
Genome position (GRCh38, 1-based): chr20:34,996,662, G>A. VCF-style: chr20-34996662-G-A. GRCh37 (hg19) VCF-style: chr20-33584465-G-A.
Other names: c.3296G>A (NM_020884.4); short protein forms R1057Q.
Identifiers: ClinVar variation 2044930 (VCV002044930.5), dbSNP rs144748129, ClinGen allele CA9827657.
Genomic context (GRCh38, chr20:34,996,662, plus strand): 5'-CTGCTCTGCAGCTGGAATGCTCCCTGGAGCAGGAGAAGAAGCTGCGCATGGACACGGAGC[G>A]GGCCAAGCGCAAGCTGGAGGGTGACCTGAAGCTGACGCAGGAGTCGGTGGCTGATGCTGC-3'
Protein context (NP_065935.4, residues 1047-1067): QEKKLRMDTE[Arg1057Gln]AKRKLEGDLK